The following is an entry in ClinVar:

ClinVar aggregate classification (germline): Conflicting classifications of pathogenicity. Review status: criteria provided, conflicting classifications (1 of 4 stars). 4 submissions from 4 submitters: Uncertain significance (3); Likely benign (1). Last evaluated 2025-09-11.

Conditions:
Inborn genetic diseases. Identifiers: MedGen C0950123, MeSH D030342.
Brain small vessel disease 1 with or without ocular anomalies (BSVD1). Also called: BRAIN SMALL VESSEL DISEASE WITH HEMORRHAGE; GOULD SYNDROME 1; PORENCEPHALY, TYPE 1, AUTOSOMAL DOMINANT; Brain small vessel disease with or without ocular anomalies. Identifiers: Orphanet 2940, Orphanet 36383, Orphanet 99810, MedGen C4755307, MONDO:0008289, OMIM 175780.
Microangiopathy and leukoencephalopathy, pontine, autosomal dominant. Also called: Pontine autosomal dominant microangiopathy with leukoencephalopathy; DEMENTIA, HEREDITARY MULTI-INFARCT, SWEDISH TYPE. Identifiers: Orphanet 477749, MedGen C5231411, MONDO:0032814, OMIM 618564.
Hemorrhage, intracerebral, susceptibility to (ICH). Also called: Stroke, hemorrhagic, susceptibility to. Identifiers: MedGen C3281105, MONDO:0100533, OMIM 614519.
Autosomal dominant familial hematuria-retinal arteriolar tortuosity-contractures syndrome. Also called: Angiopathy, hereditary, with nephropathy, aneurysms, and muscle cramps; Hereditary Angiopathy with Nephropathy, Aneurysms, and Muscle Cramps (HANAC) Syndrome. Identifiers: Orphanet 73229, MedGen C2673195, MONDO:0012726, OMIM 611773.
Retinal arterial tortuosity. Also called: RETINAL HEMORRHAGE WITH VASCULAR TORTUOSITY; Retinal arteries, tortuosity of. Identifiers: Orphanet 75326, MedGen C0423401, MONDO:0008373, OMIM 180000, HP:0000631.

Allele frequency attached by ClinVar (database versions not stated): ExAC 0.00002; TOPMed 0.00003; gnomAD 0.00004.
gnomAD v4.1: 8 of 1,614,068 alleles (0.0005%); highest among the groups gnomAD compares: African/African-American, 0.0093%; no homozygotes.

Submissions (4):

Labcorp Genetics (formerly Invitae), Labcorp
Classification: Uncertain significance. Last evaluated: 2025-09-11. Review status: criteria provided, single submitter. Criteria: Invitae Variant Classification Sherloc (09022015). Collection method: clinical testing. Allele origin: germline.
Comment: This sequence change replaces proline, which is neutral and non-polar, with leucine, which is neutral and non-polar, at codon 1028 of the COL4A1 protein (p.Pro1028Leu). This variant is present in population databases (rs756879840, gnomAD 0.02%). This variant has not been reported in the literature in individuals affected with COL4A1-related conditions. ClinVar contains an entry for this variant (Variation ID: 2440309). Invitae Evidence Modeling of protein sequence and biophysical properties (such as structural, functional, and spatial information, amino acid conservation, physicochemical variation, residue mobility, and thermodynamic stability) indicates that this missense variant is not expected to disrupt COL4A1 protein function with a negative predictive value of 95%. In summary, the available evidence is currently insufficient to determine the role of this variant in disease. Therefore, it has been classified as a Variant of Uncertain Significance.

Ambry Genetics
Classification: Likely benign for Inborn genetic diseases. Last evaluated: 2024-11-07. Review status: criteria provided, single submitter. Criteria: Ambry Variant Classification Scheme 2023. Collection method: clinical testing. Allele origin: germline.

Fulgent Genetics
Classification: Uncertain significance for Brain small vessel disease 1 with or without ocular anomalies; Retinal arterial tortuosity; Autosomal dominant familial hematuria-retinal arteriolar tortuosity-contractures syndrome; Hemorrhage, intracerebral, susceptibility to; Microangiopathy and leukoencephalopathy, pontine, autosomal dominant. Last evaluated: 2024-03-13. Review status: criteria provided, single submitter. Criteria: ACMG Guidelines, 2015. Collection method: clinical testing. Allele origin: germline.

Revvity Omics, Revvity
Classification: Uncertain significance. Last evaluated: 2022-03-31. Review status: criteria provided, single submitter. Criteria: ACMG Guidelines, 2015. Collection method: clinical testing. Allele origin: germline.

NM_001845.6(COL4A1):c.3083C>T (p.Pro1028Leu)

Gene: COL4A1 (collagen type IV alpha 1 chain; minus strand). Cytogenetic location: 13q34.
Variant type: single nucleotide variant.
Coding change: c.3083C>T on transcript NM_001845.6 (MANE Select); coding-DNA position 3083, C replaced by T.
Protein change: p.Pro1028Leu; replaces proline 1028 with leucine.
Molecular consequence: missense variant.
Genome position (GRCh38, 1-based): chr13:110,175,333, G>A on the plus strand (C>T on the coding strand, the complement: COL4A1 is on the minus strand). VCF-style: chr13-110175333-G-A. GRCh37 (hg19) VCF-style: chr13-110827680-G-A.
Other names: c.3083C>T (NM_001845.4); short protein forms P1028L.
Identifiers: ClinVar variation 2440309 (VCV002440309.8), dbSNP rs756879840, ClinGen allele CA7047384.